The following is an entry in ClinVar:

ClinVar aggregate classification (germline): Uncertain significance (1 of 4 stars; one submission).

Allele frequency attached by ClinVar (database versions not stated): TOPMed 0.00002; gnomAD 0.00003; gnomAD exomes 0.00004; ExAC 0.00005; ESP Exome Variant Server 0.00008.
gnomAD v4.1: 59 of 1,613,998 alleles (0.0037%); highest among the groups gnomAD compares: Non-Finnish European, 0.0045%; no homozygotes.

Submission:

Labcorp Genetics (formerly Invitae), Labcorp
Classification: Uncertain significance. Last evaluated: 2022-04-04. Review status: criteria provided, single submitter. Criteria: Invitae Variant Classification Sherloc (09022015). Collection method: clinical testing. Allele origin: germline.
Comment: This sequence change replaces aspartic acid, which is acidic and polar, with asparagine, which is neutral and polar, at codon 553 of the SGPL1 protein (p.Asp553Asn). This variant is present in population databases (rs374076282, gnomAD 0.01%). This variant has not been reported in the literature in individuals affected with SGPL1-related conditions. Algorithms developed to predict the effect of missense changes on protein structure and function (SIFT, PolyPhen-2, Align-GVGD) all suggest that this variant is likely to be tolerated. In summary, the available evidence is currently insufficient to determine the role of this variant in disease. Therefore, it has been classified as a Variant of Uncertain Significance.

NM_003901.4(SGPL1):c.1657G>A (p.Asp553Asn)

Gene: SGPL1 (sphingosine-1-phosphate lyase 1; plus strand). Cytogenetic location: 10q22.1.
Variant type: single nucleotide variant.
Coding change: c.1657G>A on transcript NM_003901.4 (MANE Select); coding-DNA position 1657, G replaced by A.
Protein change: p.Asp553Asn; replaces aspartic acid 553 with asparagine.
Molecular consequence: missense variant.
Genome position (GRCh38, 1-based): chr10:70,877,285, G>A. VCF-style: chr10-70877285-G-A. GRCh37 (hg19) VCF-style: chr10-72637042-G-A.
Other names: short protein forms D553N.
Identifiers: ClinVar variation 2192022 (VCV002192022.1), dbSNP rs374076282, ClinGen allele CA5541545.
Genomic context (GRCh38, chr10:70,877,285, plus strand): 5'-GTTGACAGGAATATGGTTGCAGAATTGTCCTCAGTCTTCTTGGACAGCTTGTACAGCACC[G>A]ACACTGTCACCCAGGGCAGCCAGATGAATGGTTCTCCAAAACCCCACTGAACTTGGACCC-3'
Protein context (NP_003892.2, residues 543-563): SVFLDSLYST[Asp553Asn]TVTQGSQMNG